The following is an entry in ClinVar:

ClinVar aggregate classification (germline): Uncertain significance (1 of 4 stars; one submission).

Conditions:
Hereditary cancer-predisposing syndrome. Also called: Neoplastic Syndromes, Hereditary; Tumor predisposition; Hereditary neoplastic syndrome; Hereditary Cancer Syndrome. Identifiers: Orphanet 140162, MedGen C0027672, MeSH D009386, MONDO:0015356.

Submission:

Ambry Genetics
Classification: Uncertain significance for Hereditary cancer-predisposing syndrome. Last evaluated: 2018-10-19. Review status: criteria provided, single submitter. Criteria: Ambry Variant Classification Scheme 2023. Collection method: clinical testing. Allele origin: germline.
Comment: The p.D1532Y variant (also known as c.4594G>T), located in coding exon 15 of the APC gene, results from a G to T substitution at nucleotide position 4594. The aspartic acid at codon 1532 is replaced by tyrosine, an amino acid with highly dissimilar properties. This amino acid position is well conserved in available vertebrate species. In addition, in silico predictors for this gene do not accurately predict pathogenicity. Since supporting evidence is limited at this time, the clinical significance of this alteration remains unclear.

NM_000038.6(APC):c.4594G>T (p.Asp1532Tyr)

Gene: APC (APC regulator of Wnt signaling pathway; plus strand). Cytogenetic location: 5q22.2.
Variant type: single nucleotide variant.
Coding change: c.4594G>T on transcript NM_000038.6 (MANE Select); coding-DNA position 4594, G replaced by T.
Protein change: p.Asp1532Tyr; replaces aspartic acid 1532 with tyrosine.
Molecular consequence: missense variant.
Genome position (GRCh38, 1-based): chr5:112,840,188, G>T. VCF-style: chr5-112840188-G-T. GRCh37 (hg19) VCF-style: chr5-112175885-G-T.
Other names: c.4594G>T, p.Asp1532Tyr (NM_001127510.3, NM_001354895.2); c.4540G>T, p.Asp1514Tyr (NM_001127511.3); c.4648G>T, p.Asp1550Tyr (NM_001354896.2); c.4624G>T, p.Asp1542Tyr (NM_001354897.2); c.4519G>T, p.Asp1507Tyr (NM_001354898.2); c.4510G>T, p.Asp1504Tyr (NM_001354899.2); c.4471G>T, p.Asp1491Tyr (NM_001354900.2); c.4417G>T, p.Asp1473Tyr (NM_001354901.2); and 5 more; short protein forms D1441Y, D1473Y, D1542Y, D1372Y, D1491Y, D1504Y, D1532Y, D1249Y.
Identifiers: ClinVar variation 825024 (VCV000825024.4), dbSNP rs730881251, ClinGen allele CA16031393.
Genomic context (GRCh38, chr5:112,840,188, plus strand): 5'-GATGAGCCATTTATACAGAAAGATGTGGAATTAAGAATAATGCCTCCAGTTCAGGAAAAT[G>T]ACAATGGGAATGAAACAGAATCAGAGCAGCCTAAAGAATCAAATGAAAACCAAGAGAAAG-3'
Protein context (NP_000029.2, residues 1522-1542): LRIMPPVQEN[Asp1532Tyr]NGNETESEQP